The following is an entry in ClinVar:

ClinVar aggregate classification (germline): Benign. Review status: reviewed by expert panel (3 of 4 stars). 42 submissions from 41 submitters: Benign (1). 41 of the submissions do not count toward it. Last evaluated 2024-06-11.

Conditions:
BRCA2-related disorder. Also called: BRCA2-related condition; BRCA2-related disorders. Identifiers: MedGen CN239275.
BRCA2-related cancer predisposition. Identifiers: MedGen CN377758, MONDO:0700269.
Breast and/or ovarian cancer. Identifiers: MedGen CN221562.
Hereditary cancer-predisposing syndrome. Also called: Neoplastic Syndromes, Hereditary; Hereditary neoplastic syndrome; Hereditary Cancer Syndrome; Tumor predisposition. Identifiers: Orphanet 140162, MedGen C0027672, MeSH D009386, MONDO:0015356.
Hereditary breast ovarian cancer syndrome. Also called: Hereditary breast and ovarian cancer syndrome (HBOC); Breast and ovarian cancer; BRCA1- and BRCA2-Associated Hereditary Breast and Ovarian Cancer; Hereditary breast and ovarian cancer syndrome; Hereditary breast and ovarian cancer; Hereditary breast and/or ovarian cancer syndrome. Identifiers: Orphanet 145, MedGen C0677776, MeSH D061325, MONDO:0003582. Disease mechanism: loss of function.
Fanconi anemia complementation group D1. Also called: BRCA2-Related Fanconi Anemia. Identifiers: Orphanet 319462, MedGen C1838457, MONDO:0011584, OMIM 605724.
Breast-ovarian cancer, familial, susceptibility to, 2 (BROVCA2). Also called: BRCA2 Hereditary Breast and Ovarian Cancer. Identifiers: Orphanet 145, MedGen C2675520, MONDO:0012933, OMIM 612555. Disease mechanism: loss of function.
Malignant tumor of breast. Also called: Malignant breast neoplasm; Cancer breast. Identifiers: MedGen C0006142, MONDO:0007254. Disease mechanism: loss of function.

Allele frequency attached by ClinVar (database versions not stated): TOPMed 0.00105; 1000 Genomes Project 0.00060; ESP Exome Variant Server 0.00146; 1000 Genomes Project 30x 0.00062; gnomAD 0.00127.
gnomAD v4.1: 2,248 of 1,614,110 alleles (0.14%); highest among the groups gnomAD compares: Non-Finnish European, 0.17%; 2 homozygotes.

Submissions 1 to 15 of 42:

ClinGen ENIGMA BRCA1 and BRCA2 Variant Curation Expert Panel, ClinGen
Classification: Benign for BRCA2-related cancer predisposition. Last evaluated: 2024-06-11. Review status: reviewed by expert panel. Criteria: CSpec BRCA1/2ACMG Rules Specifications V1.0. Collection method: curation. Allele origin: germline. Inheritance: Autosomal dominant inheritance.
Comment: The c.8149G>T variant in BRCA2 is a missense variant predicted to cause substitution of Alanine by Serine at amino acid 2717 (p.Ala2717Ser). The highest non-cancer, non-founder population filter allele frequency in gnomAD v2.1 (exomes only, non-cancer subset, read depth >=20) or gnomAD v3.1 (non-cancer subset, read depth >=20) is 0.001751 in the Latino/Admixed American population, which is above the ENIGMA BRCA1/2 VCEP threshold (>0.001) for BA1 (BA1 met). This BRCA2 missense variant is within a key functional domain and the computational predictor BayesDel (noAF) gives a score of -0.0816, which is below the recommended threshold of 0.18 for predicting no impact on BRCA2 via protein change. SpliceAI predictor score of 0.03 suggests that the variant has no impact on splicing (score threshold <0.10) (BP4 met). Reported by 3 calibrated studies to exhibit protein function similar to benign control variants (PMIDs: 29988080, 33609447, 32444794) (BS3 met). This variant has been observed in 2 individuals with features considered inconsistent with an FA-associated phenotype, and (Likely) Pathogenic variant seen in trans or variant is homozygous (total score 4 points) (BS2 met; Invitae internal contributor). Multifactorial likelihood ratio analysis using clinically calibrated data produced a combined LR for this variant of 2.288E-117 (based on Cosegregation LR=4.52E-08; Pathology LR=5.249E-08; Family History LR=1.995E-19; Case-Control LR=4.83E-84), below the threshold for Very strong benign evidence (LR <0.00285) (BP5_Very strong met; PMID: Internal lab contributors). In summary, this variant meets the criteria to be classified as a Benign variant for BRCA2-related cancer predisposition based on the ACMG/AMP criteria applied as specified by the ENIGMA BRCA1/2 VCEP (BA1, BP4, BS3, BS2, BP5_Very strong).

CeGaT Center for Human Genetics Tuebingen
Classification: Likely benign. Last evaluated: 2026-07-01. Review status: criteria provided, single submitter. Criteria: CeGaT Center For Human Genetics Tuebingen Variant Classification Criteria Version 2. Collection method: clinical testing. Allele origin: germline. Affected: yes. Observed: 23 variant alleles. Not counted in ClinVar's aggregate classification.
Comment: BRCA2: BP1, BS3:Supporting, BS1

Labcorp Genetics (formerly Invitae), Labcorp
Classification: Benign for Hereditary breast ovarian cancer syndrome. Last evaluated: 2026-02-03. Review status: criteria provided, single submitter. Criteria: Invitae Variant Classification Sherloc (09022015). Collection method: clinical testing. Allele origin: germline. Not counted in ClinVar's aggregate classification.

ARUP Laboratories, Molecular Genetics and Genomics, ARUP Laboratories
Classification: Benign. Last evaluated: 2025-03-12. Review status: criteria provided, single submitter. Criteria: ARUP Molecular Germline Variant Investigation Process 2024. Collection method: clinical testing. Allele origin: germline. Not counted in ClinVar's aggregate classification.

Center for Genomic Medicine, Rigshospitalet, Copenhagen University Hospital
Classification: Benign. Last evaluated: 2025-03-04. Review status: criteria provided, single submitter. Criteria: ACMG Guidelines, 2015. Collection method: clinical testing. Allele origin: germline. Not counted in ClinVar's aggregate classification.

Blueprint Genetics
Classification: Likely benign. Last evaluated: 2024-11-25. Review status: criteria provided, single submitter. Criteria: ACMG Guidelines, 2015. Collection method: clinical testing. Allele origin: germline. Not counted in ClinVar's aggregate classification.

All of Us Research Program, National Institutes of Health
Classification: Likely benign for BRCA2-related cancer predisposition. Last evaluated: 2024-10-02. Review status: criteria provided, single submitter. Criteria: ACMG Guidelines, 2015. Collection method: clinical testing. Allele origin: germline. Inheritance: Autosomal dominant inheritance. Observed: 397 variant alleles, 397 heterozygotes. Not counted in ClinVar's aggregate classification.
Comment: This study involves interpretation of variants in research participants for the purpose of population health screening. Participant phenotype was not available at the time of variant classification. Additional details can be found in publication PMID: 35346344, PMCID: PMC8962531

CHEO Genetics Diagnostic Laboratory, Children's Hospital of Eastern Ontario
Classification: Benign for Breast and/or ovarian cancer. Last evaluated: 2023-04-17. Review status: criteria provided, single submitter. Criteria: ACMG Guidelines, 2015. Collection method: clinical testing. Allele origin: germline. Study: Canadian Open Genetics Repository. Not counted in ClinVar's aggregate classification.

National Health Laboratory Service, Universitas Academic Hospital and University of the Free State
Classification: Benign for Hereditary breast ovarian cancer syndrome. Last evaluated: 2022-04-19. Review status: criteria provided, single submitter. Criteria: ACMG Guidelines, 2015. Collection method: clinical testing. Allele origin: germline. Affected: yes. Observed: 4 variant alleles. Not counted in ClinVar's aggregate classification.

Institute for Clinical Genetics, University Hospital TU Dresden, University Hospital TU Dresden
Classification: Benign. Last evaluated: 2021-11-03. Review status: criteria provided, single submitter. Criteria: ACMG Guidelines, 2015. Collection method: clinical testing. Allele origin: germline. Not counted in ClinVar's aggregate classification.

Genetic Services Laboratory, University of Chicago
Classification: Likely benign. Last evaluated: 2021-09-22. Review status: criteria provided, single submitter. Criteria: ACMG Guidelines, 2015. Collection method: clinical testing. Allele origin: germline. Affected: no. Not counted in ClinVar's aggregate classification.

Sema4
Classification: Benign for Hereditary cancer-predisposing syndrome. Last evaluated: 2020-09-08. Review status: criteria provided, single submitter. Criteria: Sema4 Curation Guidelines. Collection method: curation. Allele origin: germline. Not counted in ClinVar's aggregate classification.

Mendelics
Classification: Likely benign for Breast-ovarian cancer, familial, susceptibility to, 2. Last evaluated: 2019-05-28. Review status: criteria provided, single submitter. Criteria: Mendelics Assertion Criteria 2017. Collection method: clinical testing. Allele origin: unknown. Not counted in ClinVar's aggregate classification.

Illumina Laboratory Services, Illumina
Classification: Likely benign for Breast-ovarian cancer, familial, susceptibility to, 2. Last evaluated: 2017-04-27. Review status: criteria provided, single submitter. Criteria: ICSL Variant Classification Criteria 13 December 2019. Collection method: clinical testing. Allele origin: germline. Not counted in ClinVar's aggregate classification.
Comment: This variant was observed as part of a predisposition screen in an ostensibly healthy population. A literature search was performed for the gene, cDNA change, and amino acid change (where applicable). Publications were found based on this search. The evidence from the literature, in combination with allele frequency data from public databases where available, was sufficient to determine this variant is unlikely to cause disease. Therefore, this variant is classified as likely benign.

Illumina Laboratory Services, Illumina
Classification: Likely benign for Fanconi anemia complementation group D1. Last evaluated: 2017-04-27. Review status: criteria provided, single submitter. Criteria: ICSL Variant Classification Criteria 13 December 2019. Collection method: clinical testing. Allele origin: germline. Not counted in ClinVar's aggregate classification.
Comment: This variant was observed as part of a predisposition screen in an ostensibly healthy population. A literature search was performed for the gene, cDNA change, and amino acid change (where applicable). No publications were found based on this search. Allele frequency data from public databases allowed determination this variant is unlikely to cause disease. Therefore, this variant is classified as likely benign.

NM_000059.4(BRCA2):c.8149G>T (p.Ala2717Ser)

Gene: BRCA2 (BRCA2 DNA repair associated; plus strand). Cytogenetic location: 13q13.1.
Variant type: single nucleotide variant.
Coding change: c.8149G>T on transcript NM_000059.4 (MANE Select); coding-DNA position 8149, G replaced by T.
Protein change: p.Ala2717Ser; replaces alanine 2717 with serine.
Molecular consequence: missense variant.
Genome position (GRCh38, 1-based): chr13:32,363,351, G>T. VCF-style: chr13-32363351-G-T. GRCh37 (hg19) VCF-style: chr13-32937488-G-T.
Other names: p.A2717S:GCC>TCC; NP_000050.3:p.Ala2717Ser; NM_000059.4(BRCA2):c.8149G>T; 8377G>T; short protein forms A2717S.
Identifiers: ClinVar variation 41564 (VCV000041564.113), dbSNP rs28897747, ClinGen allele CA025471.